The following is an entry in ClinVar:

NM_032634.4(PIGO):c.1820C>A (p.Thr607Asn)

Gene: PIGO (phosphatidylinositol glycan anchor biosynthesis class O; minus strand). Cytogenetic location: 9p13.3.
Variant type: single nucleotide variant.
Coding change: c.1820C>A on transcript NM_032634.4 (MANE Select); coding-DNA position 1820, C replaced by A.
Protein change: p.Thr607Asn; replaces threonine 607 with asparagine.
Molecular consequence: missense variant. On other transcripts: intron variant (2).
Genome position (GRCh38, 1-based): chr9:35,092,067, G>T on the plus strand (C>A on the coding strand, the complement: PIGO is on the minus strand). VCF-style: chr9-35092067-G-T. GRCh37 (hg19) VCF-style: chr9-35092064-G-T.
Other names: c.1344+476C>A (NM_152850.4, NM_001201484.2); short protein forms T607N.
Identifiers: ClinVar variation 961107 (VCV000961107.7), dbSNP rs1829449172, ClinGen allele CA373321350.
Genomic context (GRCh38, chr9:35,092,067, plus strand): 5'-CCAATTCCAAGCCTCAGGGCATATGCACCATTGTGCCGTGGGGGGTTTGTTGTGGCTGAA[G>T]TGCCAAGGCGGGGCATTGTGAGTAGCTTAGGTGGAAGCAGCTGGCCCTCCCAGTGAAGCT-3'
Protein context (NP_116023.2, residues 597-617): PKLLTMPRLG[Thr607Asn]SATTNPPRHN

ClinVar aggregate classification (germline): Uncertain significance (1 of 4 stars; one submission).

Conditions:
Hyperphosphatasia with impaired intellectual development syndrome 2. Also called: Hyperphosphatasia with intellectual disability syndrome 2; GLYCOSYLPHOSPHATIDYLINOSITOL BIOSYNTHESIS DEFECT 6. Identifiers: Orphanet 247262, MedGen C3553637, MONDO:0013882, OMIM 614749.

Allele frequency attached by ClinVar (database versions not stated): TOPMed below 0.00001.

Submission:

Labcorp Genetics (formerly Invitae), Labcorp
Classification: Uncertain significance for Hyperphosphatasia with impaired intellectual development syndrome 2. Last evaluated: 2021-08-31. Review status: criteria provided, single submitter. Criteria: Invitae Variant Classification Sherloc (09022015). Collection method: clinical testing. Allele origin: germline.
Comment: This sequence change replaces threonine with asparagine at codon 607 of the PIGO protein (p.Thr607Asn). The threonine residue is weakly conserved and there is a small physicochemical difference between threonine and asparagine. This variant is not present in population databases (ExAC no frequency). This variant has not been reported in the literature in individuals affected with PIGO-related conditions. Algorithms developed to predict the effect of missense changes on protein structure and function (SIFT, PolyPhen-2, Align-GVGD) all suggest that this variant is likely to be tolerated. In summary, the available evidence is currently insufficient to determine the role of this variant in disease. Therefore, it has been classified as a Variant of Uncertain Significance.